The following is an entry in ClinVar:

ClinVar aggregate classification (germline): Uncertain significance (1 of 4 stars; one submission).

Submission:

GeneDx
Classification: Uncertain significance. Last evaluated: 2026-09-19. Review status: criteria provided, single submitter. Criteria: GeneDx Variant Classification Process June 2021. Collection method: clinical testing. Allele origin: germline.
Comment: Not observed at significant frequency in large population cohorts (gnomAD); In silico analysis supports that this missense variant has a deleterious effect on protein structure/function; Has not been previously published as pathogenic or benign to our knowledge

NM_001256627.2(BRSK2):c.548G>A (p.Cys183Tyr)

Gene: BRSK2 (BR serine/threonine kinase 2; plus strand). Cytogenetic location: 11p15.5.
Variant type: single nucleotide variant.
Coding change: c.548G>A on transcript NM_001256627.2 (MANE Select); coding-DNA position 548, G replaced by A.
Protein change: p.Cys183Tyr; replaces cysteine 183 with tyrosine.
Molecular consequence: missense variant. On other transcripts: non-coding transcript variant (1).
Genome position (GRCh38, 1-based): chr11:1,443,123, G>A. VCF-style: chr11-1443123-G-A. GRCh37 (hg19) VCF-style: chr11-1464353-G-A.
Other names: c.548G>A, p.Cys183Tyr (NM_001256629.2, NM_003957.4); c.686G>A, p.Cys229Tyr (NM_001256630.1); c.368G>A, p.Cys123Tyr (NM_001282218.2); short protein forms C123Y, C183Y, C229Y.
Identifiers: ClinVar variation 2502722 (VCV002502722.2), dbSNP rs2539482673, ClinGen allele CA379058815.